The following is an entry in ClinVar:

ClinVar aggregate classification (germline): Uncertain significance (1 of 4 stars; one submission).

Conditions:
Inborn genetic diseases. Identifiers: MedGen C0950123, MeSH D030342.

Submission:

Ambry Genetics
Classification: Uncertain significance for Inborn genetic diseases. Last evaluated: 2026-08-20. Review status: criteria provided, single submitter. Criteria: Ambry Variant Classification Scheme 2023. Collection method: clinical testing. Allele origin: germline.
Comment: The p.R740G variant (also known as c.2218A>G), located in coding exon 14 of the PIK3CA gene, results from an A to G substitution at nucleotide position 2218. The arginine at codon 740 is replaced by glycine, an amino acid with dissimilar properties. This amino acid position is conserved. In addition, the in silico prediction for this alteration is inconclusive. Based on the available evidence, the clinical significance of this variant remains unclear.

NM_006218.4(PIK3CA):c.2218A>G (p.Arg740Gly)

Gene: PIK3CA (phosphatidylinositol-4,5-bisphosphate 3-kinase catalytic subunit alpha; plus strand). Cytogenetic location: 3q26.32.
Variant type: single nucleotide variant.
Coding change: c.2218A>G on transcript NM_006218.4 (MANE Select); coding-DNA position 2218, A replaced by G.
Protein change: p.Arg740Gly; replaces arginine 740 with glycine.
Molecular consequence: missense variant.
Genome position (GRCh38, 1-based): chr3:179,224,111, A>G. VCF-style: chr3-179224111-A-G. GRCh37 (hg19) VCF-style: chr3-178941899-A-G.
Other names: short protein forms R740G.
Identifiers: ClinVar variation 5026672 (VCV005026672.1).
Genomic context (GRCh38, chr3:179,224,111, plus strand): 5'-TTACTGTGACTATCCTTTTTTTTTAATCAGGTACAGATGAAGTTTTTAGTTGAGCAAATG[A>G]GGCGACCAGATTTCATGGATGCTCTACAGGGCTTTCTGTCTCCTCTAAACCCTGCTCATC-3'
Protein context (NP_006209.2, residues 730-750): VQMKFLVEQM[Arg740Gly]RPDFMDALQG